The following is an entry in ClinVar:

ClinVar aggregate classification (germline): Likely benign (1 of 4 stars; one submission).

Conditions:
GLUL-related disorder. Also called: GLUL-related condition.

Submission:

PreventionGenetics, part of Exact Sciences
Classification: Likely benign for GLUL-related condition. Last evaluated: 2026-01-26. Review status: criteria provided, single submitter. Criteria: ACMG Guidelines, 2015. Collection method: clinical testing. Allele origin: germline.
Comment: This variant is classified as likely benign based on ACMG/AMP sequence variant interpretation guidelines (Richards et al. 2015 PMID: 25741868, with internal and published modifications).

NM_001033044.4(GLUL):c.318A>G (p.Arg106=)

Gene: GLUL (glutamate-ammonia ligase; minus strand). Cytogenetic location: 1q25.3.
Variant type: single nucleotide variant.
Coding change: c.318A>G on transcript NM_001033044.4 (MANE Select); coding-DNA position 318, A replaced by G.
Protein change: p.Arg106=; no amino-acid change (arginine 106 retained).
Molecular consequence: synonymous variant.
Genome position (GRCh38, 1-based): chr1:182,387,141, T>C on the plus strand (A>G on the coding strand, the complement: GLUL is on the minus strand). VCF-style: chr1-182387141-T-C. GRCh37 (hg19) VCF-style: chr1-182356276-T-C.
Other names: c.318A>G, p.Arg106= (NM_001033056.4, NM_002065.7).
Identifiers: ClinVar variation 4985909 (VCV004985909.1).